The following is an entry in ClinVar:

ClinVar aggregate classification (germline): Uncertain significance. Review status: criteria provided, multiple submitters, no conflicts (2 of 4 stars). 4 submissions from 4 submitters: Uncertain significance (4). Last evaluated 2024-12-21.

Allele frequency attached by ClinVar (database versions not stated): gnomAD exomes below 0.00001 and 0.00001; gnomAD 0.00003 and 0.00004; TOPMed 0.00003.
gnomAD v4.1: 10 of 1,571,772 alleles (0.00064%); highest among the groups gnomAD compares: Admixed American, 0.016%; no homozygotes.

Submissions (4):

Ambry Genetics
Classification: Uncertain significance. Last evaluated: 2024-12-21. Review status: criteria provided, single submitter. Criteria: Ambry Variant Classification Scheme 2023. Collection method: clinical testing. Allele origin: germline.

Labcorp Genetics (formerly Invitae), Labcorp
Classification: Uncertain significance. Last evaluated: 2023-04-11. Review status: criteria provided, single submitter. Criteria: Invitae Variant Classification Sherloc (09022015). Collection method: clinical testing. Allele origin: germline.
Comment: This sequence change replaces glutamine, which is neutral and polar, with glutamic acid, which is acidic and polar, at codon 117 of the FSCN2 protein (p.Gln117Glu). This variant is present in population databases (no rsID available, gnomAD 0.007%). This variant has not been reported in the literature in individuals affected with FSCN2-related conditions. ClinVar contains an entry for this variant (Variation ID: 289620). An algorithm developed to predict the effect of missense changes on protein structure and function (PolyPhen-2) suggests that this variant is likely to be tolerated. In summary, the available evidence is currently insufficient to determine the role of this variant in disease. Therefore, it has been classified as a Variant of Uncertain Significance.

Eurofins Ntd Llc (ga)
Classification: Uncertain significance. Last evaluated: 2016-08-16. Review status: criteria provided, single submitter. Criteria: EGL Classification Definitions 2015. Collection method: clinical testing. Allele origin: germline. Observed: 1 variant allele, 1 heterozygote.

Breakthrough Genomics
Classification: Uncertain significance. Review status: criteria provided, single submitter. Criteria: ACMG Guidelines, 2015. Collection method: not provided. Allele origin: germline. Inheritance: Unknown mechanism. Affected: yes.

NM_012418.4(FSCN2):c.349C>G (p.Gln117Glu)

Gene: FSCN2 (fascin actin-bundling protein 2, retinal; plus strand). Cytogenetic location: 17q25.3.
Variant type: single nucleotide variant.
Coding change: c.349C>G on transcript NM_012418.4 (MANE Select); coding-DNA position 349, C replaced by G.
Protein change: p.Gln117Glu; replaces glutamine 117 with glutamic acid.
Molecular consequence: missense variant.
Genome position (GRCh38, 1-based): chr17:81,528,880, C>G. VCF-style: chr17-81528880-C-G. GRCh37 (hg19) VCF-style: chr17-79495906-C-G.
Other names: c.349C>G (NM_001077182.2); c.349C>G, p.Gln117Glu (NM_001077182.3); short protein forms Q117E.
Identifiers: ClinVar variation 289620 (VCV000289620.14), dbSNP rs886044892, ClinGen allele CA10606499.